The following is an entry in ClinVar:

NM_004364.5(CEBPA):c.634C>T (p.His212Tyr)

Gene: CEBPA (CCAAT enhancer binding protein alpha; minus strand). Cytogenetic location: 19q13.11.
Variant type: single nucleotide variant.
Coding change: c.634C>T on transcript NM_004364.5 (MANE Select); coding-DNA position 634, C replaced by T.
Protein change: p.His212Tyr; replaces histidine 212 with tyrosine.
Molecular consequence: missense variant.
Genome position (GRCh38, 1-based): chr19:33,301,781, G>A on the plus strand (C>T on the coding strand, the complement: CEBPA is on the minus strand). VCF-style: chr19-33301781-G-A. GRCh37 (hg19) VCF-style: chr19-33792687-G-A.
Other names: c.277C>T, p.His93Tyr (NM_001285829.2); c.739C>T, p.His247Tyr (NM_001287424.2); c.592C>T, p.His198Tyr (NM_001287435.2); c.634C>T (NM_004364.3); short protein forms H212Y, H198Y, H247Y, H93Y.
Identifiers: ClinVar variation 456696 (VCV000456696.10), dbSNP rs1433126196, ClinGen allele CA405274532.

ClinVar aggregate classification (germline): Uncertain significance. Review status: criteria provided, multiple submitters, no conflicts (2 of 4 stars). 2 submissions from 2 submitters: Uncertain significance (2). Last evaluated 2025-05-07.

Conditions:
Inborn genetic diseases. Identifiers: MedGen C0950123, MeSH D030342.
Acute myeloid leukemia (AML). Also called: Leukemia, acute myeloid, somatic; Leukemia, acute myelogenous, somatic; Acute myeloid leukemia, adult; AML adult; Acute non-lymphocytic leukemia; Acute granulocytic leukemia. Identifiers: Orphanet 519, MedGen C0023467, MeSH D015470, MONDO:0018874, OMIM 601626, HP:0004808. Disease mechanism: Constitutively activated FLT3.

Allele frequency attached by ClinVar (database versions not stated): gnomAD exomes below 0.00001; TOPMed 0.00001.
gnomAD v4.1: 2 of 1,214,324 alleles (0.00016%); highest among the groups gnomAD compares: Non-Finnish European, 0.0002%; no homozygotes.

Submissions (2):

Ambry Genetics
Classification: Uncertain significance for Inborn genetic diseases. Last evaluated: 2025-05-07. Review status: criteria provided, single submitter. Criteria: Ambry Variant Classification Scheme 2023. Collection method: clinical testing. Allele origin: germline.
Comment: The p.H212Y variant (also known as c.634C>T), located in coding exon 1 of the CEBPA gene, results from a C to T substitution at nucleotide position 634. The histidine at codon 212 is replaced by tyrosine, an amino acid with similar properties. This amino acid position is conserved. In addition, this alteration is predicted to be tolerated by in silico analysis. Based on the available evidence, the clinical significance of this variant remains unclear.

Labcorp Genetics (formerly Invitae), Labcorp
Classification: Uncertain significance for Acute myeloid leukemia. Last evaluated: 2022-10-04. Review status: criteria provided, single submitter. Criteria: Invitae Variant Classification Sherloc (09022015). Collection method: clinical testing. Allele origin: germline.
Comment: In summary, the available evidence is currently insufficient to determine the role of this variant in disease. Therefore, it has been classified as a Variant of Uncertain Significance. Advanced modeling of protein sequence and biophysical properties (such as structural, functional, and spatial information, amino acid conservation, physicochemical variation, residue mobility, and thermodynamic stability) performed at Invitae indicates that this missense variant is expected to disrupt CEBPA protein function. ClinVar contains an entry for this variant (Variation ID: 456696). This variant has not been reported in the literature in individuals affected with CEBPA-related conditions. This variant is not present in population databases (gnomAD no frequency). This sequence change replaces histidine, which is basic and polar, with tyrosine, which is neutral and polar, at codon 212 of the CEBPA protein (p.His212Tyr).